The following is an entry in ClinVar:

NM_000019.4(ACAT1):c.1059T>A (p.Asn353Lys)

Gene: ACAT1 (acetyl-CoA acetyltransferase 1; plus strand). Cytogenetic location: 11q22.3.
Variant type: single nucleotide variant.
Coding change: c.1059T>A on transcript NM_000019.4 (MANE Select); coding-DNA position 1059, T replaced by A.
Protein change: p.Asn353Lys; replaces asparagine 353 with lysine.
Molecular consequence: missense variant.
Genome position (GRCh38, 1-based): chr11:108,146,255, T>A. VCF-style: chr11-108146255-T-A. GRCh37 (hg19) VCF-style: chr11-108016982-T-A.
Other names: short protein forms N353K.
Identifiers: ClinVar variation 666525 (VCV000666525.2), dbSNP rs1591374629, ClinGen allele CA382508451.

ClinVar aggregate classification (germline): Likely pathogenic. Review status: criteria provided, multiple submitters, no conflicts (2 of 4 stars). 2 submissions from 2 submitters: Likely pathogenic (2). Last evaluated 2023-10-10.

Conditions:
Deficiency of acetyl-CoA acetyltransferase. Also called: 3-KETOTHIOLASE DEFICIENCY; 3-OXOTHIOLASE DEFICIENCY; Beta-ketothiolase deficiency; MITOCHONDRIAL ACETOACETYL-CoA THIOLASE DEFICIENCY. Identifiers: Orphanet 134, MedGen C1536500, MONDO:0008760, OMIM 203750. Disease mechanism: loss of function.

Submissions (2):

ARUP Laboratories, Molecular Genetics and Genomics, ARUP Laboratories
Classification: Likely pathogenic for Deficiency of acetyl-CoA acetyltransferase. Last evaluated: 2023-10-10. Review status: criteria provided, single submitter. Criteria: ARUP Molecular Germline Variant Investigation Process 2024. Collection method: clinical testing. Allele origin: germline.
Comment: The ACAT1 c.1059T>A; p.Asn353Lys variant (rs1591374629) is reported in the literature in one individual affected with alpha-methylacetoacetic aciduria (Abdelkreem 2019, Sakurai 2007). This variant is also reported in ClinVar (Variation ID: 666525). This variant is absent from the Genome Aggregation Database, indicating it is not a common polymorphism. Additionally, another variant at this codon (c.1059T>G; p.Asn353Lys) has been reported in an individual with alpha-methylacetoacetic aciduria and is considered likely pathogenic (Paquay 2017). Functional analysis of the variant protein show a loss of catalytic activity (Abdelkreem 2019, Sakurai 2007). Computational analyses predict that this variant is deleterious (REVEL: 0.856). Based on available information, this variant is considered to be likely pathogenic. References: Abdelkreem E et al. Mutation update on ACAT1 variants associated with mitochondrial acetoacetyl-CoA thiolase (T2) deficiency. Hum Mutat. 2019 Oct;40(10):1641-1663. PMID: 31268215. Paquay S et al. Mitochondrial acetoacetyl-CoA thiolase deficiency: basal ganglia impairment may occur independently of ketoacidosis. J Inherit Metab Dis. 2017 May;40(3):415-422. PMID: 28255778. Sakurai S et al. Kinetic and expression analyses of seven novel mutations in mitochondrial acetoacetyl-CoA thiolase (T2): identification of a Km mutant and an analysis of the mutational sites in the structure. Mol Genet Metab. 2007 Apr;90(4):370-8. PMID: 17236799.

Department of Pediatrics, Gifu University
Classification: Likely pathogenic for Deficiency of acetyl-CoA acetyltransferase. Last evaluated: 2019-05-05. Review status: criteria provided, single submitter. Criteria: ACMG Guidelines, 2015. Collection method: research. Allele origin: germline. Affected: yes. Observed: 1 variant allele.

Literature cited by the submitters: PubMed 31268215 (cited by Department of Pediatrics, Gifu University); PubMed 17236799 (cited by Department of Pediatrics, Gifu University).